The following is an entry in ClinVar:

NM_002633.3(PGM1):c.873+6T>C

Gene: PGM1 (phosphoglucomutase 1; plus strand). Cytogenetic location: 1p31.3.
Variant type: single nucleotide variant.
Coding change: c.873+6T>C on transcript NM_002633.3 (MANE Select); 6 bases into the intron after coding-DNA position 873, T replaced by C.
Molecular consequence: intron variant.
Genome position (GRCh38, 1-based): chr1:63,635,025, T>C. VCF-style: chr1-63635025-T-C. GRCh37 (hg19) VCF-style: chr1-64100696-T-C.
Other names: c.282+6T>C (NM_001172819.2); c.927+6T>C (NM_001172818.1); c.873+6T>C (NM_002633.2).
Identifiers: ClinVar variation 931787 (VCV000931787.4), dbSNP rs368068987, ClinGen allele CA889640.
Genomic context (GRCh38, chr1:63,635,025, plus strand): 5'-GGAGACCATGAAGTCAGGAGAGCATGATTTTGGGGCTGCCTTTGATGGAGATGGGGTGGG[T>C]ATAAGTGCATTTAAGTGAACTCTGGTGCAGGCCAGGCCTGATCCTGCAGATGGGGAAAAA-3'

ClinVar aggregate classification (germline): Conflicting classifications of pathogenicity. Review status: criteria provided, conflicting classifications (1 of 4 stars). 2 submissions from 2 submitters: Uncertain significance (1); Likely benign (1). Last evaluated 2025-11-07.

Conditions:
PGM1-related disorder. Also called: PGM1-related condition; PGM1-related disorders.
PGM1-congenital disorder of glycosylation. Also called: Congenital disorder of glycosylation type 1t; PHOSPHOGLUCOMUTASE 1 DEFICIENCY; PGM1 DEFICIENCY; GLYCOGEN STORAGE DISEASE XIV; GSD XIV; CDG It. Identifiers: Orphanet 319646, MedGen C2752015, MONDO:0013968, OMIM 614921.

Allele frequency attached by ClinVar (database versions not stated): gnomAD 0.00001; TOPMed 0.00001; gnomAD exomes 0.00002 and 0.00004; ExAC 0.00004; ESP Exome Variant Server 0.00008.

Submissions (2):

PreventionGenetics, part of Exact Sciences
Classification: Likely benign for PGM1-related condition. Last evaluated: 2025-11-07. Review status: criteria provided, single submitter. Criteria: ACMG Guidelines, 2015. Collection method: clinical testing. Allele origin: germline.
Comment: This variant is classified as likely benign based on ACMG/AMP sequence variant interpretation guidelines (Richards et al. 2015 PMID: 25741868, with internal and published modifications).

Centre for Mendelian Genomics, University Medical Centre Ljubljana
Classification: Uncertain significance for PGM1-congenital disorder of glycosylation. Last evaluated: 2018-11-14. Review status: criteria provided, single submitter. Criteria: ACMG Guidelines, 2015. Collection method: clinical testing. Allele origin: unknown. Affected: yes.
Comment: This variant was classified as: Uncertain significance. The available evidence on this variant's pathogenicity is insufficient or conflicting. The following ACMG criteria were applied in classifying this variant: PM2,PP3. This variant was detected in homozygous state.